The following is an entry in ClinVar:

ClinVar aggregate classification (germline): Likely benign (1 of 4 stars; one submission).

gnomAD v4.1: 39 of 1,613,750 alleles (0.0024%); highest among the groups gnomAD compares: Non-Finnish European, 0.0013%; no homozygotes.

Submission:

Mayo Clinic Laboratories, Mayo Clinic
Classification: Likely benign. Last evaluated: 2025-07-10. Review status: criteria provided, single submitter. Criteria: ACMG Guidelines, 2015. Collection method: clinical testing. Allele origin: germline. Observed: 1 variant allele.
Comment: BP4, BP7

NM_006214.4(PHYH):c.312G>A (p.Val104=)

Gene: PHYH (phytanoyl-CoA 2-hydroxylase; minus strand). Cytogenetic location: 10p13.
Variant type: single nucleotide variant.
Coding change: c.312G>A on transcript NM_006214.4 (MANE Select); coding-DNA position 312, G replaced by A.
Protein change: p.Val104=; no amino-acid change (valine 104 retained).
Molecular consequence: synonymous variant.
Genome position (GRCh38, 1-based): chr10:13,294,530, C>T on the plus strand (G>A on the coding strand, the complement: PHYH is on the minus strand). VCF-style: chr10-13294530-C-T. GRCh37 (hg19) VCF-style: chr10-13336530-C-T.
Other names: p.Val104=; c.12G>A, p.Val4= (NM_001037537.2, NM_001323080.2, NM_001323084.2); c.312G>A, p.Val104= (NM_001323082.2, NM_001323083.2).
Identifiers: ClinVar variation 4683485 (VCV004683485.1).